The following is an entry in ClinVar:

NM_006389.5(HYOU1):c.1666-3C>T

Gene: HYOU1 (hypoxia up-regulated 1; minus strand). Cytogenetic location: 11q23.3.
Variant type: single nucleotide variant.
Coding change: c.1666-3C>T on transcript NM_006389.5 (MANE Select); 3 bases into the intron before coding-DNA position 1666, C replaced by T.
Molecular consequence: intron variant.
Genome position (GRCh38, 1-based): chr11:119,049,840, G>A on the plus strand (C>T on the coding strand, the complement: HYOU1 is on the minus strand). VCF-style: chr11-119049840-G-A. GRCh37 (hg19) VCF-style: chr11-118920552-G-A.
Other names: c.1666-3C>T (NM_001130991.3).
Identifiers: ClinVar variation 1960755 (VCV001960755.5), dbSNP rs1054985466, ClinGen allele CA229620599.

ClinVar aggregate classification (germline): Uncertain significance (1 of 4 stars; one submission).

Allele frequency attached by ClinVar (database versions not stated): TOPMed below 0.00001.
gnomAD v4.1: 3 of 1,613,724 alleles (0.00019%); highest among the groups gnomAD compares: Non-Finnish European, 0.00025%; no homozygotes.

Submission:

Labcorp Genetics (formerly Invitae), Labcorp
Classification: Uncertain significance. Last evaluated: 2024-12-06. Review status: criteria provided, single submitter. Criteria: Invitae Variant Classification Sherloc (09022015). Collection method: clinical testing. Allele origin: germline.
Comment: This sequence change falls in intron 14 of the HYOU1 gene. It does not directly change the encoded amino acid sequence of the HYOU1 protein. It affects a nucleotide within the consensus splice site. This variant is not present in population databases (gnomAD no frequency). This variant has not been reported in the literature in individuals affected with HYOU1-related conditions. ClinVar contains an entry for this variant (Variation ID: 1960755). Variants that disrupt the consensus splice site are a relatively common cause of aberrant splicing (PMID: 17576681, 9536098). Algorithms developed to predict the effect of sequence changes on RNA splicing suggest that this variant is not likely to affect RNA splicing. In summary, the available evidence is currently insufficient to determine the role of this variant in disease. Therefore, it has been classified as a Variant of Uncertain Significance.

Literature cited by the submitters: PubMed 17576681; PubMed 9536098.